The following is an entry in ClinVar:

NM_001048174.2(MUTYH):c.695A>C (p.Gln232Pro)

Gene: MUTYH (mutY DNA glycosylase; minus strand). Cytogenetic location: 1p34.1.
Variant type: single nucleotide variant.
Coding change: c.695A>C on transcript NM_001048174.2 (MANE Select); coding-DNA position 695, A replaced by C.
Protein change: p.Gln232Pro; replaces glutamine 232 with proline.
Molecular consequence: missense variant. On other transcripts: non-coding transcript variant (7).
Genome position (GRCh38, 1-based): chr1:45,332,400, T>G on the plus strand (A>C on the coding strand, the complement: MUTYH is on the minus strand). VCF-style: chr1-45332400-T-G. GRCh37 (hg19) VCF-style: chr1-45798072-T-G.
Other names: c.695A>C, p.Gln232Pro (NM_001048171.2, NM_001048173.2, NM_001293195.2 and 6 more transcripts); c.698A>C, p.Gln233Pro (NM_001048172.2, NM_001407071.1, NM_001407078.1 and 1 more transcripts); c.779A>C, p.Gln260Pro (NM_001128425.2); c.740A>C, p.Gln247Pro (NM_001293190.2); c.728A>C, p.Gln243Pro (NM_001293191.2, NM_001407069.1, NM_001407077.1); c.419A>C, p.Gln140Pro (NM_001293192.2, NM_001293196.2, NM_001407091.1); c.350A>C, p.Gln117Pro (NM_001350650.2, NM_001350651.2, NM_001407082.1); c.611A>C, p.Gln204Pro (NM_001407075.1); and 5 more; short protein forms Q232P, Q239P, Q246P, Q247P, Q257P, Q140P, Q219P, Q117P.
Identifiers: ClinVar variation 4715787 (VCV004715787.1).

ClinVar aggregate classification (germline): Uncertain significance (1 of 4 stars; one submission).

Conditions:
Familial adenomatous polyposis 2. Also called: FAP type 2; COLORECTAL ADENOMATOUS POLYPOSIS, AUTOSOMAL RECESSIVE; ADENOMAS, MULTIPLE COLORECTAL, AUTOSOMAL RECESSIVE; MYH-associated polyposis; MUTYH Polyposis; Adenomas, multiple colorectal. Identifiers: Orphanet 220460, Orphanet 247798, MedGen C3272841, MONDO:0012041, OMIM 608456.

Submission:

Labcorp Genetics (formerly Invitae), Labcorp
Classification: Uncertain significance for Familial adenomatous polyposis 2. Last evaluated: 2025-03-24. Review status: criteria provided, single submitter. Criteria: Invitae Variant Classification Sherloc (09022015). Collection method: clinical testing. Allele origin: germline.
Comment: This sequence change replaces glutamine, which is neutral and polar, with proline, which is neutral and non-polar, at codon 260 of the MUTYH protein (p.Gln260Pro). This variant is not present in population databases (gnomAD no frequency). This variant has not been reported in the literature in individuals affected with MUTYH-related conditions. An algorithm developed to predict the effect of missense changes on protein structure and function (PolyPhen-2) suggests that this variant is likely to be tolerated. In summary, the available evidence is currently insufficient to determine the role of this variant in disease. Therefore, it has been classified as a Variant of Uncertain Significance.